The following is an entry in ClinVar:

NM_002693.3(POLG):c.552_657del (p.Val185fs)

Genes: POLGARF (POLG alternative reading frame; minus strand), POLG (DNA polymerase gamma, catalytic subunit; minus strand). Cytogenetic location: 15q26.1.
Variant type: Deletion.
Coding change: c.552_657del on transcript NM_002693.3 (MANE Select); coding-DNA positions 552 to 657, 106 bases deleted.
Protein change: p.Val185fs; shifts the reading frame from valine 185.
Molecular consequence: frameshift variant.
Genome position (GRCh38, 1-based): chr15:89,333,098-89,333,203, 106 bases deleted. GRCh37 (hg19): chr15:89,876,330-89,876,435.
Other names: c.552_657del, p.Val185fs (NM_001126131.2); short protein forms V185fs.
Identifiers: ClinVar variation 2039006 (VCV002039006.4), dbSNP rs2509274602, ClinGen allele CA2580090382.

ClinVar aggregate classification (germline): Pathogenic (1 of 4 stars; one submission).

Conditions:
Progressive sclerosing poliodystrophy (MTDPS4A). Also called: Mitochondrial DNA Depletion Syndrome 4A; Alpers-Huttenlocher Syndrome (AHS); ALPERS PROGRESSIVE INFANTILE POLIODYSTROPHY; NEURONAL DEGENERATION OF CHILDHOOD WITH LIVER DISEASE, PROGRESSIVE; Alpers Syndrome; ALPERS DIFFUSE DEGENERATION OF CEREBRAL GRAY MATTER WITH HEPATIC CIRRHOSIS. Identifiers: Orphanet 726, MedGen C0205710, MONDO:0008758, OMIM 203700.

Submission:

Labcorp Genetics (formerly Invitae), Labcorp
Classification: Pathogenic for Progressive sclerosing poliodystrophy. Last evaluated: 2021-12-09. Review status: criteria provided, single submitter. Criteria: Invitae Variant Classification Sherloc (09022015). Collection method: clinical testing. Allele origin: germline.
Comment: For these reasons, this variant has been classified as Pathogenic. This sequence change creates a premature translational stop signal (p.Val185Glyfs*46) in the POLG gene. It is expected to result in an absent or disrupted protein product. Loss-of-function variants in POLG are known to be pathogenic (PMID: 18546365). This variant is not present in population databases (gnomAD no frequency). This variant has not been reported in the literature in individuals affected with POLG-related conditions.

Literature cited by the submitters: PubMed 18546365.